The following is an entry in ClinVar:

NM_006269.2(RP1):c.615+3G>A

Gene: RP1 (RP1 axonemal microtubule associated; plus strand). Cytogenetic location: 8q12.1.
Variant type: single nucleotide variant.
Coding change: c.615+3G>A on transcript NM_006269.2 (MANE Select); 3 bases into the intron after coding-DNA position 615, G replaced by A.
Molecular consequence: intron variant.
Genome position (GRCh38, 1-based): chr8:54,621,584, G>A. VCF-style: chr8-54621584-G-A. GRCh37 (hg19) VCF-style: chr8-55534144-G-A.
Identifiers: ClinVar variation 363278 (VCV000363278.34), dbSNP rs199632605, ClinGen allele CA4751213.
Genomic context (GRCh38, chr8:54,621,584, plus strand): 5'-CCTGACAGAGGTCATGCAGCGCCCTGTGGTCAAGCTGTACGCTACGGACGGAAGGAGGGT[G>A]AGCGTTCTGGGGGCTCCTCGAGCCTGAGCTCATTTTGAGCACCCTACTAATTGGATTCGT-3'

ClinVar aggregate classification (germline): Conflicting classifications of pathogenicity. Review status: criteria provided, conflicting classifications (1 of 4 stars). 5 submissions from 5 submitters: Uncertain significance (3); Likely benign (1). 1 of the submissions does not count toward it. Last evaluated 2025-11-07.

Conditions:
Retinal dystrophy. Also called: Inherited retinal dystrophy. Identifiers: Orphanet 71862, MedGen C0854723, MeSH D058499, MONDO:0019118, HP:0000556.
Retinitis pigmentosa (RP). Identifiers: Orphanet 791, MedGen C0035334, MeSH D012174, MONDO:0019200, OMIM 268000. Inheritance: Autosomal dominant, autosomal recessive and X linked inheritance.

Allele frequency attached by ClinVar (database versions not stated): ExAC 0.00033; gnomAD 0.00034 and 0.00037; gnomAD exomes 0.00036 and 0.00039; 1000 Genomes Project 0.00040; 1000 Genomes Project 30x 0.00047; TOPMed 0.00047; ESP Exome Variant Server 0.00054.
gnomAD v4.1: 621 of 1,614,138 alleles (0.038%); highest among the groups gnomAD compares: Middle Eastern, 0.15%; 1 homozygote.

Submissions (5):

Labcorp Genetics (formerly Invitae), Labcorp
Classification: Uncertain significance. Last evaluated: 2025-11-07. Review status: criteria provided, single submitter. Criteria: Invitae Variant Classification Sherloc (09022015). Collection method: clinical testing. Allele origin: germline.
Comment: This sequence change falls in intron 2 of the RP1 gene. It does not directly change the encoded amino acid sequence of the RP1 protein. It affects a nucleotide within the consensus splice site. This variant is present in population databases (rs199632605, gnomAD 0.06%). This variant has not been reported in the literature in individuals affected with RP1-related conditions. ClinVar contains an entry for this variant (Variation ID: 363278). Variants that disrupt the consensus splice site are a relatively common cause of aberrant splicing (PMID: 17576681, 9536098). Algorithms developed to predict the effect of sequence changes on RNA splicing suggest that this variant is not likely to affect RNA splicing. In summary, the available evidence is currently insufficient to determine the role of this variant in disease. Therefore, it has been classified as a Variant of Uncertain Significance.

Blueprint Genetics
Classification: Likely benign. Last evaluated: 2024-10-28. Review status: criteria provided, single submitter. Criteria: ACMG Guidelines, 2015. Collection method: clinical testing. Allele origin: germline.

CeGaT Center for Human Genetics Tuebingen
Classification: Uncertain significance. Last evaluated: 2024-01-01. Review status: criteria provided, single submitter. Criteria: CeGaT Center For Human Genetics Tuebingen Variant Classification Criteria Version 2. Collection method: clinical testing. Allele origin: germline. Affected: yes. Observed: 1 variant allele.
Comment: RP1: PM2, BP4

Illumina Laboratory Services, Illumina
Classification: Uncertain significance for Retinitis pigmentosa. Last evaluated: 2018-01-13. Review status: criteria provided, single submitter. Criteria: ICSL Variant Classification Criteria 13 December 2019. Collection method: clinical testing. Allele origin: germline.

Institute of Human Genetics, Univ. Regensburg, Univ. Regensburg
Classification: Uncertain significance for Retinal dystrophy. Last evaluated: 2023-01-01. Review status: no assertion criteria provided. Criteria: ACMG Guidelines, 2015. Collection method: clinical testing. Allele origin: germline. Affected: yes. Not counted in ClinVar's aggregate classification.

Literature cited by the submitters: PubMed 17576681 (cited by Labcorp Genetics (formerly Invitae), Labcorp); PubMed 9536098 (cited by Labcorp Genetics (formerly Invitae), Labcorp).